The following is an entry in ClinVar:

ClinVar aggregate classification (germline): Pathogenic. Review status: criteria provided, multiple submitters, no conflicts (2 of 4 stars). 2 submissions from 2 submitters: Pathogenic (2). Last evaluated 2025-06-26.

Conditions:
Hereditary cancer-predisposing syndrome. Also called: Neoplastic Syndromes, Hereditary; Tumor predisposition; Hereditary Cancer Syndrome; Hereditary neoplastic syndrome. Identifiers: Orphanet 140162, MedGen C0027672, MeSH D009386, MONDO:0015356.
Familial cancer of breast. Also called: BREAST CANCER, FAMILIAL; Hereditary breast cancer; hereditary breast carcinoma. Identifiers: Orphanet 227535, MedGen C0346153, MONDO:0016419, OMIM 114480. Disease mechanism: loss of function.

Submissions (2):

Ambry Genetics
Classification: Pathogenic for Hereditary cancer-predisposing syndrome. Last evaluated: 2025-06-26. Review status: criteria provided, single submitter. Criteria: Ambry Variant Classification Scheme 2023. Collection method: clinical testing. Allele origin: germline.
Comment: The p.Y110* pathogenic mutation (also known as c.330T>G), located in coding exon 3 of the BRIP1 gene, results from a T to G substitution at nucleotide position 330. This changes the amino acid from a tyrosine to a stop codon within coding exon 3. This variant is considered to be rare based on population cohorts in the Genome Aggregation Database (gnomAD). This alteration is expected to result in loss of function by premature protein truncation or nonsense-mediated mRNA decay. As such, this alteration is interpreted as a disease-causing mutation.

Myriad Genetics, Inc.
Classification: Pathogenic for Familial cancer of breast. Last evaluated: 2023-05-30. Review status: criteria provided, single submitter. Criteria: Myriad Autosomal Dominant, Autosomal Recessive and X-Linked Classification Criteria (2023). Collection method: clinical testing. Allele origin: unknown.
Comment: This variant is considered pathogenic. This variant creates a termination codon and is predicted to result in premature protein truncation.

NM_032043.3(BRIP1):c.330T>G (p.Tyr110Ter)

Gene: BRIP1 (BRCA1 interacting DNA helicase 1; minus strand). Cytogenetic location: 17q23.2.
Variant type: single nucleotide variant.
Coding change: c.330T>G on transcript NM_032043.3 (MANE Select); coding-DNA position 330, T replaced by G.
Protein change: p.Tyr110Ter; replaces tyrosine 110 with a stop codon.
Molecular consequence: nonsense.
Genome position (GRCh38, 1-based): chr17:61,857,107, A>C on the plus strand (T>G on the coding strand, the complement: BRIP1 is on the minus strand). VCF-style: chr17-61857107-A-C. GRCh37 (hg19) VCF-style: chr17-59934468-A-C.
Other names: short protein forms Y110*.
Identifiers: ClinVar variation 1730079 (VCV001730079.5), dbSNP rs2145827552, ClinGen allele CA400485354.